The following is an entry in ClinVar:

ClinVar aggregate classification (germline): Uncertain significance (1 of 4 stars; one submission).

Allele frequency attached by ClinVar (database versions not stated): gnomAD exomes below 0.00001.
gnomAD v4.1: 2 of 1,613,926 alleles (0.00012%); highest among the groups gnomAD compares: South Asian, 0.0011%; no homozygotes.

Submission:

GeneDx
Classification: Uncertain significance. Last evaluated: 2022-09-12. Review status: criteria provided, single submitter. Criteria: GeneDx Variant Classification Process June 2021. Collection method: clinical testing. Allele origin: germline. Affected: yes.
Comment: Not observed at significant frequency in large population cohorts (gnomAD); In silico analysis supports that this missense variant has a deleterious effect on protein structure/function; Has not been previously published as pathogenic or benign to our knowledge

NM_000497.4(CYP11B1):c.1476C>A (p.Ser492Arg)

Genes: CYP11B1 (cytochrome P450 family 11 subfamily B member 1; minus strand), LOC106799833 (CYP11B1 recombination region; plus strand). Cytogenetic location: 8q24.3.
Variant type: single nucleotide variant.
Coding change: c.1476C>A on transcript NM_000497.4 (MANE Select); coding-DNA position 1476, C replaced by A.
Protein change: p.Ser492Arg; replaces serine 492 with arginine.
Molecular consequence: missense variant.
Genome position (GRCh38, 1-based): chr8:142,874,409, G>T on the plus strand (C>A on the coding strand, the complement: CYP11B1 is on the minus strand). VCF-style: chr8-142874409-G-T. GRCh37 (hg19) VCF-style: chr8-143955825-G-T.
Other names: c.1278C>A, p.Ser426Arg (NM_001026213.1); short protein forms S426R, S492R.
Identifiers: ClinVar variation 1704936 (VCV001704936.2), dbSNP rs2488674487, ClinGen allele CA372390706.